The following is an entry in ClinVar:

NM_004171.4(SLC1A2):c.1648T>C (p.Cys550Arg)

Gene: SLC1A2 (solute carrier family 1 member 2; minus strand). Cytogenetic location: 11p13.
Variant type: single nucleotide variant.
Coding change: c.1648T>C on transcript NM_004171.4 (MANE Select); coding-DNA position 1648, T replaced by C.
Protein change: p.Cys550Arg; replaces cysteine 550 with arginine.
Molecular consequence: missense variant.
Genome position (GRCh38, 1-based): chr11:35,265,532, A>G on the plus strand (T>C on the coding strand, the complement: SLC1A2 is on the minus strand). VCF-style: chr11-35265532-A-G. GRCh37 (hg19) VCF-style: chr11-35287079-A-G.
Other names: c.1621T>C, p.Cys541Arg (NM_001195728.3, NM_001252652.2); short protein forms C541R, C550R.
Identifiers: ClinVar variation 2189663 (VCV002189663.4), dbSNP rs1270694952, ClinGen allele CA380118341.

ClinVar aggregate classification (germline): Uncertain significance (1 of 4 stars; one submission).

Allele frequency attached by ClinVar (database versions not stated): gnomAD 0.00001; TOPMed 0.00002.

Submission:

Labcorp Genetics (formerly Invitae), Labcorp
Classification: Uncertain significance. Last evaluated: 2023-12-07. Review status: criteria provided, single submitter. Criteria: Invitae Variant Classification Sherloc (09022015). Collection method: clinical testing. Allele origin: germline.
Comment: This sequence change replaces cysteine, which is neutral and slightly polar, with arginine, which is basic and polar, at codon 550 of the SLC1A2 protein (p.Cys550Arg). This variant is not present in population databases (gnomAD no frequency). This variant has not been reported in the literature in individuals affected with SLC1A2-related conditions. ClinVar contains an entry for this variant (Variation ID: 2189663). An algorithm developed to predict the effect of missense changes on protein structure and function (PolyPhen-2) suggests that this variant is likely to be disruptive. In summary, the available evidence is currently insufficient to determine the role of this variant in disease. Therefore, it has been classified as a Variant of Uncertain Significance.